The following is an entry in ClinVar:

NM_007294.4(BRCA1):c.5153-18T>C

Gene: BRCA1 (BRCA1 DNA repair associated; minus strand). Cytogenetic location: 17q21.31.
Variant type: single nucleotide variant.
Coding change: c.5153-18T>C on transcript NM_007294.4 (MANE Select); 18 bases into the intron before coding-DNA position 5153, T replaced by C.
Molecular consequence: intron variant.
Genome position (GRCh38, 1-based): chr17:43,063,391, A>G on the plus strand (T>C on the coding strand, the complement: BRCA1 is on the minus strand). VCF-style: chr17-43063391-A-G. GRCh37 (hg19) VCF-style: chr17-41215408-A-G.
Other names: c.1700-18T>C (NM_001408458.1, NM_001408461.1, NM_001408464.1 and 7 more transcripts); c.4262-18T>C (NM_001407967.1); c.4772-18T>C (NM_001407959.1); c.4886-18T>C (NM_001407931.1, NM_001407932.1, NM_001407928.1 and 4 more transcripts); c.5009-18T>C (NM_001407747.1, NM_001407745.1, NM_001407737.1 and 21 more transcripts); c.4769-18T>C (NM_001407962.1, NM_001407960.1); c.1340-18T>C (NM_001408512.1); c.1463-18T>C (NM_001408510.1); and 72 more.
Identifiers: ClinVar variation 867416 (VCV000867416.3), dbSNP rs2051876869, ClinGen allele CA916080082.
Genomic context (GRCh38, chr17:43,063,391, plus strand): 5'-ACCTCATTCAGCATTTTTCTTTCTTTAATAGACTGGGTCACCCCTAAAGAGATCATAGAA[A>G]AGACAGGTTACATACAGCAGAAGAACGTGCTCTTTTCACGGAGATAGAGAGGTCAGCGAT-3'

Conditions:
Breast-ovarian cancer, familial, susceptibility to, 1 (BROVCA1). Also called: BRCA1 Hereditary Breast and Ovarian Cancer; OVARIAN CANCER, SUSCEPTIBILITY TO. Identifiers: Orphanet 145, MedGen C2676676, MONDO:0011450, OMIM 604370. Disease mechanism: loss of function.

Submission:

Brotman Baty Institute, University of Washington
No classification provided (evidence only). Condition: Breast-ovarian cancer, familial 1. Review status: no classification provided. Collection method: in vitro. Allele origin: not applicable. Functional consequence: functionally_normal.
ClinVar note: "not provided" was previously submitted as the classification for the variant. However, the classification appeared to be based only on an observation of functional data so it was converted to no classification on 2025-07-30.